The following is an entry in ClinVar:

NM_018676.4(THSD1):c.1627_1630del (p.Lys543fs)

Gene: THSD1 (thrombospondin type 1 domain containing 1; minus strand). Cytogenetic location: 13q14.3.
Variant type: Microsatellite.
Coding change: c.1627_1630del on transcript NM_018676.4 (MANE Select); coding-DNA positions 1627 to 1630, 4 bases deleted (AAAG; older notation c.1627_1630delAAAG).
Protein change: p.Lys543fs; shifts the reading frame from lysine 543.
Molecular consequence: frameshift variant.
Genome position (GRCh38, 1-based): chr13:52,378,340-52,378,343, CTTT deleted on the plus strand (AAAG on the coding strand, the reverse complement: THSD1 is on the minus strand); deleting any 4 consecutive bases within chr13:52,378,340-52,378,347 gives the same sequence; the c. name uses the placement nearest the transcript's 3' end. VCF-style (leftmost placement, unchanged base first): chr13-52378339-CCTTT-C. GRCh37 (hg19) VCF-style: chr13-52952474-CCTTT-C.
Other names: c.1468_1471del, p.Lys490fs (NM_199263.3); short protein forms K490fs, K543fs.
Identifiers: ClinVar variation 1706527 (VCV001706527.23), dbSNP rs2547596894, ClinGen allele CA2580614743.

ClinVar aggregate classification (germline): Pathogenic/Likely pathogenic. Review status: criteria provided, multiple submitters, no conflicts (2 of 4 stars). 2 submissions from 2 submitters: Pathogenic (1); Likely pathogenic (1). Last evaluated 2024-02-01.

Submissions (2):

CeGaT Center for Human Genetics Tuebingen
Classification: Likely pathogenic. Last evaluated: 2024-02-01. Review status: criteria provided, single submitter. Criteria: CeGaT Center For Human Genetics Tuebingen Variant Classification Criteria Version 2. Collection method: clinical testing. Allele origin: germline. Affected: yes. Observed: 1 variant allele.
Comment: THSD1: PVS1:Strong, PM2

Institute for Medical Genetics and Human Genetics, Charité - Universitätsmedizin Berlin
Classification: Pathogenic. Last evaluated: 2022-09-22. Review status: criteria provided, single submitter. Criteria: ACMG Guidelines, 2015. Collection method: clinical testing. Allele origin: germline. Inheritance: Autosomal recessive inheritance. Affected: yes. Observed: 2 homozygotes. Clinical features observed: Hypotonia (HP:0001252), Global developmental delay (HP:0001263), Hydrops fetalis (HP:0001789), Pulmonary lymphangiectasia (HP:0006521).